The following is an entry in ClinVar:

NM_001364905.1(LRBA):c.5230A>T (p.Ile1744Leu)

Gene: LRBA (LPS responsive beige-like anchor protein; minus strand). Cytogenetic location: 4q31.3.
Variant type: single nucleotide variant.
Coding change: c.5230A>T on transcript NM_001364905.1 (MANE Select); coding-DNA position 5230, A replaced by T.
Protein change: p.Ile1744Leu; replaces isoleucine 1744 with leucine.
Molecular consequence: missense variant.
Genome position (GRCh38, 1-based): chr4:150,817,199, T>A on the plus strand (A>T on the coding strand, the complement: LRBA is on the minus strand). VCF-style: chr4-150817199-T-A. GRCh37 (hg19) VCF-style: chr4-151738351-T-A.
Other names: c.5230A>T, p.Ile1744Leu (NM_001199282.3, NM_001367550.1, NM_006726.5); short protein forms I1744L.
Identifiers: ClinVar variation 1494785 (VCV001494785.8), dbSNP rs1321133451, ClinGen allele CA358610388.

ClinVar aggregate classification (germline): Uncertain significance (1 of 4 stars; one submission).

Conditions:
Combined immunodeficiency due to LRBA deficiency. Also called: Common variable immunodeficiency 8, with autoimmunity. Identifiers: Orphanet 445018, MedGen C3553512, MONDO:0013863, OMIM 614700.

gnomAD v4.1: 4 of 1,612,258 alleles (0.00025%); highest among the groups gnomAD compares: Non-Finnish European, 0.00034%; no homozygotes.

Submission:

Labcorp Genetics (formerly Invitae), Labcorp
Classification: Uncertain significance for Combined immunodeficiency due to LRBA deficiency. Last evaluated: 2022-06-13. Review status: criteria provided, single submitter. Criteria: Invitae Variant Classification Sherloc (09022015). Collection method: clinical testing. Allele origin: germline.
Comment: In summary, the available evidence is currently insufficient to determine the role of this variant in disease. Therefore, it has been classified as a Variant of Uncertain Significance. Algorithms developed to predict the effect of missense changes on protein structure and function output the following: SIFT: "Tolerated"; PolyPhen-2: "Benign"; Align-GVGD: "Class C0". The leucine amino acid residue is found in multiple mammalian species, which suggests that this missense change does not adversely affect protein function. This variant has not been reported in the literature in individuals affected with LRBA-related conditions. This variant is not present in population databases (gnomAD no frequency). This sequence change replaces isoleucine, which is neutral and non-polar, with leucine, which is neutral and non-polar, at codon 1744 of the LRBA protein (p.Ile1744Leu).